The following is an entry in ClinVar:

ClinVar aggregate classification (germline): Uncertain significance (1 of 4 stars; one submission).

Allele frequency attached by ClinVar (database versions not stated): gnomAD exomes below 0.00001; gnomAD 0.00001; TOPMed 0.00001.
gnomAD v4.1: 7 of 1,613,866 alleles (0.00043%); highest among the groups gnomAD compares: African/African-American, 0.0013%; no homozygotes.

Submission:

Labcorp Genetics (formerly Invitae), Labcorp
Classification: Uncertain significance. Last evaluated: 2023-09-10. Review status: criteria provided, single submitter. Criteria: Invitae Variant Classification Sherloc (09022015). Collection method: clinical testing. Allele origin: germline.
Comment: This sequence change replaces proline, which is neutral and non-polar, with serine, which is neutral and polar, at codon 299 of the SETBP1 protein (p.Pro299Ser). This variant is not present in population databases (gnomAD no frequency). This variant has not been reported in the literature in individuals affected with SETBP1-related conditions. Advanced modeling of protein sequence and biophysical properties (such as structural, functional, and spatial information, amino acid conservation, physicochemical variation, residue mobility, and thermodynamic stability) performed at Invitae indicates that this missense variant is not expected to disrupt SETBP1 protein function. In summary, the available evidence is currently insufficient to determine the role of this variant in disease. Therefore, it has been classified as a Variant of Uncertain Significance.

NM_015559.3(SETBP1):c.895C>T (p.Pro299Ser)

Gene: SETBP1 (SET binding protein 1; plus strand). Cytogenetic location: 18q12.3.
Variant type: single nucleotide variant.
Coding change: c.895C>T on transcript NM_015559.3 (MANE Select); coding-DNA position 895, C replaced by T.
Protein change: p.Pro299Ser; replaces proline 299 with serine.
Molecular consequence: missense variant.
Genome position (GRCh38, 1-based): chr18:44,950,235, C>T. VCF-style: chr18-44950235-C-T. GRCh37 (hg19) VCF-style: chr18-42530200-C-T.
Other names: c.895C>T, p.Pro299Ser (NM_001379141.1, NM_001379142.1, NM_001410862.1); short protein forms P299S.
Identifiers: ClinVar variation 2722722 (VCV002722722.3), dbSNP rs1411642397, ClinGen allele CA402317069.
Genomic context (GRCh38, chr18:44,950,235, plus strand): 5'-AACAATAACAAAGATCTGCTCTTGGGAGGTGTGGCTCCATCCCCAAGCAGCCACAGCTCA[C>T]CAGCCCCACCCAGCAGCTCTGCTGAGTGCAACGGGCTTCAGCCCTTGGTGGATCAAGATG-3'
Protein context (NP_056374.2, residues 289-309): VAPSPSSHSS[Pro299Ser]APPSSSAECN